The following is an entry in ClinVar:

NM_001845.6(COL4A1):c.4642T>C (p.Cys1548Arg)

Gene: COL4A1 (collagen type IV alpha 1 chain; minus strand). Cytogenetic location: 13q34.
Variant type: single nucleotide variant.
Coding change: c.4642T>C on transcript NM_001845.6 (MANE Select); coding-DNA position 4642, T replaced by C.
Protein change: p.Cys1548Arg; replaces cysteine 1548 with arginine.
Molecular consequence: missense variant.
Genome position (GRCh38, 1-based): chr13:110,155,396, A>G on the plus strand (T>C on the coding strand, the complement: COL4A1 is on the minus strand). VCF-style: chr13-110155396-A-G. GRCh37 (hg19) VCF-style: chr13-110807743-A-G.
Other names: short protein forms C1548R.
Identifiers: ClinVar variation 3068971 (VCV003068971.2), dbSNP rs2501723132, ClinGen allele CA388655875.
Genomic context (GRCh38, chr13:110,155,396, plus strand): 5'-GGATCTGAATGGTCTGGCTGTGCACGGCCATCACCATGGCAGGCGCCTCACACACAGCAC[A>G]CCTGGAAGTGGAGCAGAGACACTCAGCACAGCCGGGGTGCAGGGCAGAGGCCGCCCTCCA-3'
Protein context (NP_001836.3, residues 1538-1558): GENIRPFISR[Cys1548Arg]AVCEAPAMVM

ClinVar aggregate classification (germline): Uncertain significance (1 of 4 stars; one submission).

Submission:

Women's Health and Genetics/Laboratory Corporation of America, LabCorp
Classification: Uncertain significance. Last evaluated: 2024-02-07. Review status: criteria provided, single submitter. Criteria: LabCorp Variant Classification Summary - May 2015. Collection method: clinical testing. Allele origin: germline.
Comment: Variant summary: COL4A1 c.4642T>C (p.Cys1548Arg) results in a non-conservative amino acid change located in the Collagen IV, non-collagenous domain (IPR001442) of the encoded protein sequence. Five of five in-silico tools predict a damaging effect of the variant on protein function. The variant was absent in 250376 control chromosomes (gnomAD). The available data on variant occurrences in the general population are insufficient to allow any conclusion about variant significance. To our knowledge, no occurrence of c.4642T>C in individuals affected with Porencephaly 1 and no experimental evidence demonstrating its impact on protein function have been reported. No submitters have cited clinical-significance assessments for this variant to ClinVar. Based on the evidence outlined above, the variant was classified as uncertain significance.